The following is an entry in ClinVar:

NM_000260.4(MYO7A):c.3245C>T (p.Thr1082Met)

Gene: MYO7A (myosin VIIA; plus strand). Cytogenetic location: 11q13.5.
Variant type: single nucleotide variant.
Coding change: c.3245C>T on transcript NM_000260.4 (MANE Select); coding-DNA position 3245, C replaced by T.
Protein change: p.Thr1082Met; replaces threonine 1082 with methionine.
Molecular consequence: missense variant.
Genome position (GRCh38, 1-based): chr11:77,182,560, C>T. VCF-style: chr11-77182560-C-T. GRCh37 (hg19) VCF-style: chr11-76893605-C-T.
Other names: p.Thr1082Met; c.3245C>T, p.Thr1082Met (NM_001127180.2); c.3212C>T, p.Thr1071Met (NM_001369365.1); short protein forms T1071M, T1082M.
Identifiers: ClinVar variation 1302590 (VCV001302590.7), dbSNP rs377393431, ClinGen allele CA6198012.
Genomic context (GRCh38, chr11:77,182,560, plus strand): 5'-GTGATGGCAGTGAGAAGATCCCTGTGATGACCAAGATTTATGAGACCCTGGGCAAGAAGA[C>T]GTACAAGAGGGAGCTGCAGGCCCTGCAGGGCGAGGGCGAGGTGAGGCCAAGGTGCCCTCT-3'
Protein context (NP_000251.3, residues 1072-1092): TKIYETLGKK[Thr1082Met]YKRELQALQG

ClinVar aggregate classification (germline): Uncertain significance. Review status: criteria provided, multiple submitters, no conflicts (2 of 4 stars). 5 submissions from 5 submitters: Uncertain significance (5). Last evaluated 2026-05-26.

Conditions:
Inborn genetic diseases. Identifiers: MedGen C0950123, MeSH D030342.
MYO7A-related disorder. Also called: MYO7A-related disorders.
Usher syndrome type 1 (USH1). Also called: RETINITIS PIGMENTOSA AND CONGENITAL DEAFNESS. Identifiers: Orphanet 231169, Orphanet 886, MedGen C1568247, MONDO:0010168, OMIM 276900.

Allele frequency attached by ClinVar (database versions not stated): gnomAD 0.00001; TOPMed 0.00002; gnomAD exomes 0.00003; ExAC 0.00007; ESP Exome Variant Server 0.00008.
gnomAD v4.1: 45 of 1,613,166 alleles (0.0028%); highest among the groups gnomAD compares: South Asian, 0.0077%; no homozygotes.

Submissions (5):

PreventionGenetics, part of Exact Sciences
Classification: Uncertain significance for MYO7A-related condition. Last evaluated: 2026-05-26. Review status: criteria provided, single submitter. Criteria: ACMG Guidelines, 2015. Collection method: clinical testing. Allele origin: germline.
Comment: The MYO7A c.3245C>T variant is predicted to result in the amino acid substitution p.Thr1082Met. To our knowledge, this variant has not been reported in the literature. This variant is reported in 0.013% of alleles in individuals of South Asian descent in gnomAD. At this time, the clinical significance of this variant is uncertain due to the absence of conclusive functional and genetic evidence.

Ambry Genetics
Classification: Uncertain significance for Inborn genetic diseases. Last evaluated: 2024-04-08. Review status: criteria provided, single submitter. Criteria: Ambry Variant Classification Scheme 2023. Collection method: clinical testing. Allele origin: germline.

Blueprint Genetics
Classification: Uncertain significance. Last evaluated: 2024-03-27. Review status: criteria provided, single submitter. Criteria: ACMG Guidelines, 2015. Collection method: clinical testing. Allele origin: germline.

Foundation for Research in Genetics and Endocrinology, FRIGE's Institute of Human Genetics
Classification: Uncertain significance for Usher syndrome type 1. Last evaluated: 2023-02-28. Review status: criteria provided, single submitter. Criteria: ACMG Guidelines, 2015. Collection method: clinical testing. Allele origin: germline. Inheritance: Autosomal recessive inheritance. Affected: yes. Observed: 1 homozygote.
Comment: A homozygous missense variation in exon 25 of the MYO7A gene that results in the amino acid substitution of Methionine for Threonine at codon 1082 (p.Thr1082) was detected. The p.Thr1082Met variant has not been reported in 1000 genomes databases. The in silico predictions of the variant are probably damaging by PolyPhen-2 (HumDiv) and damaging by LRT. The reference codon is conserved across species. In summary, the variant meets our criteria to be classified as a variant of uncertain significance.

GeneDx
Classification: Uncertain significance. Last evaluated: 2019-03-12. Review status: criteria provided, single submitter. Criteria: GeneDx Variant Classification Process June 2021. Collection method: clinical testing. Allele origin: germline. Affected: yes.
Comment: In silico analysis, which includes protein predictors and evolutionary conservation, supports that this variant does not alter protein structure/function; Has not been previously published as pathogenic or benign to our knowledge